The following is an entry in ClinVar:

ClinVar aggregate classification (germline): Benign. Review status: criteria provided, multiple submitters, no conflicts (2 of 4 stars). 5 submissions from 5 submitters: Benign (5). Last evaluated 2026-02-01.

Conditions:
Microphthalmia, isolated, with coloboma 9 (MCOPCB9). Identifiers: Orphanet 98938, MedGen C3554592, MONDO:0014059, OMIM 615145.

Allele frequency attached by ClinVar (database versions not stated): ExAC 0.44928; gnomAD exomes 0.45347; ESP Exome Variant Server 0.37485; gnomAD 0.41875 and 0.42572; TOPMed 0.43239; 1000 Genomes Project 30x 0.51796; 1000 Genomes Project 0.52017.
gnomAD v4.1: 631,999 of 1,592,062 alleles (40%); highest among the groups gnomAD compares: East Asian, 77%; 131,795 homozygotes.

Submissions (5):

Labcorp Genetics (formerly Invitae), Labcorp
Classification: Benign. Last evaluated: 2026-02-01. Review status: criteria provided, single submitter. Criteria: Invitae Variant Classification Sherloc (09022015). Collection method: clinical testing. Allele origin: germline.

Genome-Nilou Lab
Classification: Benign for Microphthalmia, isolated, with coloboma 9. Last evaluated: 2021-09-10. Review status: criteria provided, single submitter. Criteria: ACMG Guidelines, 2015. Collection method: clinical testing. Allele origin: germline. Affected: no.

GeneDx
Classification: Benign. Last evaluated: 2018-03-22. Review status: criteria provided, single submitter. Criteria: GeneDx Variant Classification (06012015). Collection method: clinical testing. Allele origin: germline. Affected: yes.
Comment: This variant is considered likely benign or benign based on one or more of the following criteria: it is a conservative change, it occurs at a poorly conserved position in the protein, it is predicted to be benign by multiple in silico algorithms, and/or has population frequency not consistent with disease.

Breakthrough Genomics
Classification: Benign. Review status: criteria provided, single submitter. Criteria: ACMG Guidelines, 2015. Collection method: not provided. Allele origin: germline. Inheritance: Autosomal recessive inheritance. Affected: yes.

PreventionGenetics, part of Exact Sciences
Classification: Benign. Review status: criteria provided, single submitter. Criteria: ACMG Guidelines, 2015. Collection method: clinical testing. Allele origin: germline.

NM_001080477.4(TENM3):c.1791T>C (p.Ser597=)

Gene: TENM3 (teneurin transmembrane protein 3; plus strand). Cytogenetic location: 4q35.1.
Variant type: single nucleotide variant.
Coding change: c.1791T>C on transcript NM_001080477.4 (MANE Select); coding-DNA position 1791, T replaced by C.
Protein change: p.Ser597=; no amino-acid change (serine 597 retained).
Molecular consequence: synonymous variant.
Genome position (GRCh38, 1-based): chr4:182,680,694, T>C. VCF-style: chr4-182680694-T-C. GRCh37 (hg19) VCF-style: chr4-183601847-T-C.
Identifiers: ClinVar variation 257347 (VCV000257347.14), dbSNP rs2871328, ClinGen allele CA3147802.